The following is an entry in ClinVar:

ClinVar aggregate classification (germline): Uncertain significance (1 of 4 stars; one submission).

Submission:

GeneDx
Classification: Uncertain significance. Last evaluated: 2019-11-04. Review status: criteria provided, single submitter. Criteria: GeneDx Variant Classification Process June 2021. Collection method: clinical testing. Allele origin: germline. Affected: yes.
Comment: Not observed in large population cohorts (Lek et al., 2016); In silico analysis, which includes protein predictors and evolutionary conservation, supports a deleterious effect; Has not been previously published as pathogenic or benign to our knowledge

NM_015981.4(CAMK2A):c.107G>A (p.Gly36Asp)

Gene: CAMK2A (calcium/calmodulin dependent protein kinase II alpha; minus strand). Cytogenetic location: 5q32.
Variant type: single nucleotide variant.
Coding change: c.107G>A on transcript NM_015981.4 (MANE Select); coding-DNA position 107, G replaced by A.
Protein change: p.Gly36Asp; replaces glycine 36 with aspartic acid.
Molecular consequence: missense variant.
Genome position (GRCh38, 1-based): chr5:150,273,115, C>T on the plus strand (G>A on the coding strand, the complement: CAMK2A is on the minus strand). VCF-style: chr5-150273115-C-T. GRCh37 (hg19) VCF-style: chr5-149652678-C-T.
Other names: c.107G>A, p.Gly36Asp (NM_001363989.1, NM_001363990.1, NM_001369025.2 and 1 more transcripts); short protein forms G36D.
Identifiers: ClinVar variation 1318485 (VCV001318485.2), dbSNP rs2150302061, ClinGen allele CA361718866.